The following is an entry in ClinVar:

NM_020937.4(FANCM):c.3629A>G (p.Gln1210Arg)

Gene: FANCM (FA complementation group M; plus strand). Cytogenetic location: 14q21.2.
Variant type: single nucleotide variant.
Coding change: c.3629A>G on transcript NM_020937.4 (MANE Select); coding-DNA position 3629, A replaced by G.
Protein change: p.Gln1210Arg; replaces glutamine 1210 with arginine.
Molecular consequence: missense variant.
Genome position (GRCh38, 1-based): chr14:45,176,383, A>G. VCF-style: chr14-45176383-A-G. GRCh37 (hg19) VCF-style: chr14-45645586-A-G.
Other names: c.3551A>G, p.Gln1184Arg (NM_001308133.2); short protein forms Q1184R, Q1210R.
Identifiers: ClinVar variation 4022770 (VCV004022770.1).

ClinVar aggregate classification (germline): Uncertain significance (1 of 4 stars; one submission).

Conditions:
Inborn genetic diseases. Identifiers: MedGen C0950123, MeSH D030342.

Submission:

Ambry Genetics
Classification: Uncertain significance for Inborn genetic diseases. Last evaluated: 2025-05-11. Review status: criteria provided, single submitter. Criteria: Ambry Variant Classification Scheme 2023. Collection method: clinical testing. Allele origin: germline.
Comment: The p.Q1210R variant (also known as c.3629A>G), located in coding exon 14 of the FANCM gene, results from an A to G substitution at nucleotide position 3629. The glutamine at codon 1210 is replaced by arginine, an amino acid with highly similar properties. This amino acid position is conserved. In addition, this alteration is predicted to be tolerated by in silico analysis. Based on the available evidence, the clinical significance of this variant remains unclear.